The following is an entry in ClinVar:

GRCh37/hg19 22q11.21(chr22:18644790-21915509)x1

Genes: AIFM3 (AIF family member 3; plus strand), ARVCF (ARVCF delta catenin family member; minus strand), C22orf39 (chromosome 22 open reading frame 39; minus strand), CDC45 (cell division cycle 45; plus strand), CLDN5 (claudin 5; minus strand) and 49 more. Cytogenetic location: 22q11.21.
Variant type: copy number loss.
Change: copy number 1 (one copy instead of two) of chr22:18,644,790-21,915,509 (3.27 Mb, GRCh37 coordinates, 1-based), cytogenetic band 22q11.21.
Identifiers: ClinVar variation 565044 (VCV000565044.3).

ClinVar aggregate classification (germline): Pathogenic (0 of 4 stars; one submission).

Submission:

Quest Diagnostics Nichols Institute San Juan Capistrano
Classification: Pathogenic. Last evaluated: 2021-05-01. Review status: no assertion criteria provided. Collection method: clinical testing. Allele origin: germline.
Comment: The 22q11.21 interstitial deletion corresponds to the critical region of chromosome 22q11.2 deletion syndrome (a.k.a., Velocardiofacial syndrome (VCFS) or DiGeorge syndrome (DGS) (OMIM #192430; OMIM #188400). Haploinsufficiency of the TBX1 gene in particular is responsible for most of the clinical features of DiGeorge syndrome. Individuals with chromosome 22q11.21 deletion syndrome have a range of phenotypic findings, including congenital heart defects, particularly conotruncal malformations (tetralogy of Fallot, interrupted aortic arch, ventricular septal defect, and truncus arteriosus), palatal abnormalities, characteristic facial features, learning difficulties, and immune deficiency (GeneReviews [Internet]. Familial cases with microdeletion of this region are relatively common.